The following is an entry in ClinVar:

NM_007144.3(PCGF2):c.907C>G (p.Pro303Ala)

Genes: CISD3 (CDGSH iron sulfur domain 3; plus strand), PCGF2 (polycomb group ring finger 2; minus strand). Cytogenetic location: 17q12.
Variant type: single nucleotide variant.
Coding change: c.907C>G on transcript NM_007144.3 (MANE Select); coding-DNA position 907, C replaced by G.
Protein change: p.Pro303Ala; replaces proline 303 with alanine.
Molecular consequence: missense variant. On other transcripts: 3 prime UTR variant (1).
Genome position (GRCh38, 1-based): chr17:38,735,351, G>C on the plus strand (C>G on the coding strand, the complement: PCGF2 is on the minus strand). VCF-style: chr17-38735351-G-C. GRCh37 (hg19) VCF-style: chr17-36891604-G-C.
Other names: c.*1896G>C (NM_001136498.2); c.907C>G, p.Pro303Ala (NM_001369614.1, NM_001369615.1); short protein forms P303A.
Identifiers: ClinVar variation 1394861 (VCV001394861.6), dbSNP rs746369251, ClinGen allele CA8524852.
Genomic context (GRCh38, chr17:38,735,351, plus strand): 5'-TCTGCAGGCAGTTCAAGCTACCCCCGTTGGCAGCTGTGGTGGCCCCACTGGCTGTCGAAG[G>C]GGGAGTGGGGGAGGTAGGGTGGGTGGCTGGAGGCCCATGGGAACTGGGAGAGCCATGGGA-3'
Protein context (NP_009075.1, residues 293-313): PATHPTSPTP[Pro303Ala]STASGATTAA

ClinVar aggregate classification (germline): Uncertain significance (1 of 4 stars; one submission).

Allele frequency attached by ClinVar (database versions not stated): gnomAD 0.00001; gnomAD exomes 0.00005; ExAC 0.00027.
gnomAD v4.1: 40 of 1,558,110 alleles (0.0026%); highest among the groups gnomAD compares: South Asian, 0.04%; no homozygotes.

Submission:

Labcorp Genetics (formerly Invitae), Labcorp
Classification: Uncertain significance. Last evaluated: 2022-09-08. Review status: criteria provided, single submitter. Criteria: Invitae Variant Classification Sherloc (09022015). Collection method: clinical testing. Allele origin: germline.
Comment: This variant has not been reported in the literature in individuals affected with PCGF2-related conditions. In summary, the available evidence is currently insufficient to determine the role of this variant in disease. Therefore, it has been classified as a Variant of Uncertain Significance. Algorithms developed to predict the effect of missense changes on protein structure and function output the following: SIFT: "Tolerated"; PolyPhen-2: "Benign"; Align-GVGD: "Class C0". The alanine amino acid residue is found in multiple mammalian species, which suggests that this missense change does not adversely affect protein function. ClinVar contains an entry for this variant (Variation ID: 1394861). This variant is present in population databases (rs746369251, gnomAD 0.03%). This sequence change replaces proline, which is neutral and non-polar, with alanine, which is neutral and non-polar, at codon 303 of the PCGF2 protein (p.Pro303Ala).